The following is an entry in ClinVar:

NM_001384140.1(PCDH15):c.2868+21A>G

Gene: PCDH15 (protocadherin related 15; minus strand). Cytogenetic location: 10q21.1.
Variant type: single nucleotide variant.
Coding change: c.2868+21A>G on transcript NM_001384140.1 (MANE Select); 21 bases into the intron after coding-DNA position 2868, A replaced by G.
Molecular consequence: intron variant. On other transcripts: 3 prime UTR variant (1).
Genome position (GRCh38, 1-based): chr10:53,995,628, T>C on the plus strand (A>G on the coding strand, the complement: PCDH15 is on the minus strand). VCF-style: chr10-53995628-T-C. GRCh37 (hg19) VCF-style: chr10-55755388-T-C.
Other names: c.2883+21A>G (NM_001142763.2, NM_001142771.2); c.2868+21A>G (NM_001142772.2, NM_001142770.3, NM_001142766.2 and 4 more transcripts); c.2889+21A>G (NM_001354411.2); c.2904+21A>G (NM_001142769.3); c.2802+21A>G (NM_001354404.2, NM_001142773.2, NM_001142768.2); c.2757+21A>G (NM_001142767.2); c.2655+21A>G (NM_001142765.2); c.*3A>G (NM_001354430.2).
Identifiers: ClinVar variation 3351105 (VCV003351105.1).

ClinVar aggregate classification (germline): Likely benign (0 of 4 stars; one submission).

Conditions:
PCDH15-related disorder. Also called: PCDH15-related condition; PCDH15-related disorders.

gnomAD v4.1: 61 of 1,613,714 alleles (0.0038%); highest among the groups gnomAD compares: Admixed American, 0.1%; no homozygotes.

Submission:

PreventionGenetics, part of Exact Sciences
Classification: Likely benign for PCDH15-related condition. Last evaluated: 2024-08-30. Review status: no assertion criteria provided. Collection method: clinical testing. Allele origin: germline.
Comment: This variant is classified as likely benign based on ACMG/AMP sequence variant interpretation guidelines (Richards et al. 2015 PMID: 25741868, with internal and published modifications).